The following is an entry in ClinVar:

ClinVar aggregate classification (germline): Uncertain significance (1 of 4 stars; one submission).

Conditions:
Glycogen storage disease due to lactate dehydrogenase M-subunit deficiency (GSD11). Also called: Glycogen storage disease XI; GSD XI; LACTATE DEHYDROGENASE A DEFICIENCY. Identifiers: Orphanet 284426, MedGen C2931743, MONDO:0013047, OMIM 612933.

Submission:

Labcorp Genetics (formerly Invitae), Labcorp
Classification: Uncertain significance for Glycogen storage disease due to lactate dehydrogenase M-subunit deficiency. Last evaluated: 2023-12-06. Review status: criteria provided, single submitter. Criteria: Invitae Variant Classification Sherloc (09022015). Collection method: clinical testing. Allele origin: germline.
Comment: A copy number gain of the genomic region encompassing the full coding sequence of the LDHA gene has been identified. The boundaries of this event are unknown as they extend beyond the assayed region for this gene and therefore may encompass additional genes. As the precise location of this event is unknown, it may be in tandem or it may be located elsewhere in the genome. This variant has not been reported in the literature in individuals affected with LDHA-related conditions. In summary, the available evidence is currently insufficient to determine the role of this variant in disease. Therefore, it has been classified as a Variant of Uncertain Significance.

NC_000011.9:g.(?_18301429)_(18428828_?)dup

Genes: LDHA (lactate dehydrogenase A; plus strand), GTF2H1 (general transcription factor IIH subunit 1; plus strand), HPS5 (HPS5 biogenesis of lysosomal organelles complex 2 subunit 2; minus strand). Cytogenetic location: 11p15.1.
Variant type: Duplication.
Identifiers: ClinVar variation 2425376 (VCV002425376.5).